The following is an entry in ClinVar:

NM_000218.2(KCNQ1):c.1071G>Y (p.Gln357His)

Gene: KCNQ1 (potassium voltage-gated channel subfamily Q member 1; plus strand). Cytogenetic location: 11p15.5.
Variant type: single nucleotide variant.
Coding change: c.1071G>Y on transcript NM_000218.2.
Protein change: p.Gln357His; replaces glutamine 357 with histidine.
Molecular consequence: missense variant (on NM_000218.3).
Other names: LRG_287t1:c.1071G>?; c.1071G>Y (LRG_287t1); c.1071G>Y, p.Gln357His (NM_000218.3); c.801G>Y, p.Gln267His (NM_001406837.1); c.690G>Y, p.Gln230His (NM_181798.2); short protein forms Q230H, Q357H, Q267H.
Identifiers: ClinVar variation 132649 (VCV000132649.2), dbSNP rs758766691.

ClinVar aggregate classification (germline): not provided (0 of 4 stars; one submission).

Conditions:
Familial long QT syndrome (RWS). Also called: Romano-Ward syndrome; Congenital long QT syndrome; VENTRICULAR FIBRILLATION WITH PROLONGED QT INTERVAL. Identifiers: Orphanet 768, MedGen C1141890, MONDO:0019171.

Submission:

Cardiovascular Biomedical Research Unit, Royal Brompton & Harefield NHS Foundation Trust
No classification provided. Condition: Familial long QT syndrome. Review status: no classification provided. Collection method: literature only. Allele origin: germline.
Comment: This variant has been reported as associated with Long QT syndrome in the following publications (PMID:14678125). This is a literature report, and does not necessarily reflect the clinical interpretation of the Imperial College / Royal Brompton Cardiovascular Genetics laboratory.

Literature cited by the submitters: PubMed 14678125; PubMed 22581653.